The following is an entry in ClinVar:

ClinVar aggregate classification (germline): Uncertain significance. Review status: criteria provided, multiple submitters, no conflicts (2 of 4 stars). 2 submissions from 2 submitters: Uncertain significance (2). Last evaluated 2025-08-05.

Conditions:
Inborn genetic diseases. Identifiers: MedGen C0950123, MeSH D030342.

Allele frequency attached by ClinVar (database versions not stated): gnomAD exomes 0.00005 and 0.00004; ESP Exome Variant Server 0.00015; TOPMed 0.00020; gnomAD 0.00014 and 0.00016; ExAC 0.00004.
gnomAD v4.1: 77 of 1,613,216 alleles (0.0048%); highest among the groups gnomAD compares: African/African-American, 0.052%; no homozygotes.

Submissions (2):

GeneDx
Classification: Uncertain significance. Last evaluated: 2025-08-05. Review status: criteria provided, single submitter. Criteria: GeneDx Variant Classification Process June 2021. Collection method: clinical testing. Allele origin: germline. Affected: yes.
Comment: In silico analysis supports that this missense variant has a deleterious effect on protein structure/function; Has not been previously published as pathogenic or benign to our knowledge

Ambry Genetics
Classification: Uncertain significance for Inborn genetic diseases. Last evaluated: 2025-04-10. Review status: criteria provided, single submitter. Criteria: Ambry Variant Classification Scheme 2023. Collection method: clinical testing. Allele origin: germline.

NM_018368.4(LMBRD1):c.904C>T (p.Arg302Cys)

Gene: LMBRD1 (LMBR1 domain containing 1; minus strand). Cytogenetic location: 6q13.
Variant type: single nucleotide variant.
Coding change: c.904C>T on transcript NM_018368.4 (MANE Select); coding-DNA position 904, C replaced by T.
Protein change: p.Arg302Cys; replaces arginine 302 with cysteine.
Molecular consequence: missense variant.
Genome position (GRCh38, 1-based): chr6:69,713,656, G>A on the plus strand (C>T on the coding strand, the complement: LMBRD1 is on the minus strand). VCF-style: chr6-69713656-G-A. GRCh37 (hg19) VCF-style: chr6-70423548-G-A.
Other names: c.685C>T, p.Arg229Cys (NM_001363722.2, NM_001367271.1, NM_001367272.1); short protein forms R302C, R229C.
Identifiers: ClinVar variation 426812 (VCV000426812.5), dbSNP rs376456203, ClinGen allele CA3879762.
Genomic context (GRCh38, chr6:69,713,656, plus strand): 5'-CATAAACTTGGGGAAGAGTGACAGCATAATTTTTAAAAACTTCATTTACCTTCAGGGGAC[G>A]CAGAGCGCCACAAAATTTTGTCCACCAGCTGTTTTCAATGAATTCTAAATGCCTCTCTCT-3'
Protein context (NP_060838.3, residues 292-312): SWWTKFCGAL[Arg302Cys]PLKIVWGIFF